The following is an entry in ClinVar:

ClinVar aggregate classification (germline): Conflicting classifications of pathogenicity. Review status: criteria provided, conflicting classifications (1 of 4 stars). 6 submissions from 6 submitters: Uncertain significance (1); Likely benign (4). 1 of the submissions does not count toward it. Last evaluated 2025-11-17.

Conditions:
GRIN2A-related complex neurodevelopmental disorder. Also called: GRIN2A-related disorder; GRIN2A-related condition. Identifiers: MedGen CN379781, MONDO:1060139.
Inborn genetic diseases. Identifiers: MedGen C0950123, MeSH D030342.
Landau-Kleffner syndrome (FESD). Also called: EPILEPSY, FOCAL, WITH SPEECH DISORDER AND WITH OR WITHOUT MENTAL RETARDATION; APHASIA, ACQUIRED, WITH EPILEPSY. Identifiers: Orphanet 1945, Orphanet 725, Orphanet 98818, MedGen C0282512, MONDO:0009509, OMIM 245570.

Allele frequency attached by ClinVar (database versions not stated): ExAC 0.00006; 1000 Genomes Project 30x 0.00047; ESP Exome Variant Server 0.00023; 1000 Genomes Project 0.00040; gnomAD 0.00036 and 0.00039; gnomAD exomes 0.00002 and 0.00005; TOPMed 0.00034.
gnomAD v4.1: 89 of 1,612,854 alleles (0.0055%); highest among the groups gnomAD compares: African/African-American, 0.11%; no homozygotes.

Submissions (6):

Labcorp Genetics (formerly Invitae), Labcorp
Classification: Likely benign for Landau-Kleffner syndrome. Last evaluated: 2025-11-17. Review status: criteria provided, single submitter. Criteria: Invitae Variant Classification Sherloc (09022015). Collection method: clinical testing. Allele origin: germline.

Blueprint Genetics
Classification: Likely benign. Last evaluated: 2023-02-09. Review status: criteria provided, single submitter. Criteria: ACMG Guidelines, 2015. Collection method: clinical testing. Allele origin: germline.

GeneDx
Classification: Likely benign. Last evaluated: 2020-02-04. Review status: criteria provided, single submitter. Criteria: GeneDx Variant Classification Process June 2021. Collection method: clinical testing. Allele origin: germline. Affected: yes.

Ambry Genetics
Classification: Likely benign for Inborn genetic diseases. Last evaluated: 2016-07-12. Review status: criteria provided, single submitter. Criteria: Ambry Variant Classification Scheme 2023. Collection method: clinical testing. Allele origin: germline.

Eurofins Ntd Llc (ga)
Classification: Uncertain significance. Last evaluated: 2015-11-20. Review status: criteria provided, single submitter. Criteria: EGL Classification Definitions 2015. Collection method: clinical testing. Allele origin: germline. Observed: 1 variant allele, 1 heterozygote.

PreventionGenetics, part of Exact Sciences
Classification: Likely benign for GRIN2A-related condition. Last evaluated: 2019-06-18. Review status: no assertion criteria provided. Collection method: clinical testing. Allele origin: germline. Not counted in ClinVar's aggregate classification.
Comment: This variant is classified as likely benign based on ACMG/AMP sequence variant interpretation guidelines (Richards et al. 2015 PMID: 25741868, with internal and published modifications).

NM_001134407.3(GRIN2A):c.666C>T (p.Ile222=)

Gene: GRIN2A (glutamate ionotropic receptor NMDA type subunit 2A; minus strand). Cytogenetic location: 16p13.2.
Variant type: single nucleotide variant.
Coding change: c.666C>T on transcript NM_001134407.3 (MANE Select); coding-DNA position 666, C replaced by T.
Protein change: p.Ile222=; no amino-acid change (isoleucine 222 retained).
Molecular consequence: synonymous variant.
Genome position (GRCh38, 1-based): chr16:9,938,300, G>A on the plus strand (C>T on the coding strand, the complement: GRIN2A is on the minus strand). VCF-style: chr16-9938300-G-A. GRCh37 (hg19) VCF-style: chr16-10032157-G-A.
Other names: c.666C>T, p.Ile222= (NM_000833.5, NM_001134408.2).
Identifiers: ClinVar variation 284697 (VCV000284697.26), dbSNP rs143594020, ClinGen allele CA7896919.
Genomic context (GRCh38, chr16:9,938,300, plus strand): 5'-CTCACTCAGAATGAGAACAGCCTCGTCTTTGGAACAGTAGAGCAAGATGACAGAAGAGTG[G>A]ATCTTCTTCAGCTGGACTTGTGTCTTTGCATCCTCAAAGGAAGTGTCCAGTGTGATCACA-3'
Protein context (NP_001127879.1, residues 212-232): DAKTQVQLKK[Ile222=]HSSVILLYCS